The following is an entry in ClinVar:

ClinVar aggregate classification (germline): Uncertain significance (1 of 4 stars; one submission).

Allele frequency attached by ClinVar (database versions not stated): gnomAD exomes below 0.00001; TOPMed below 0.00001; ExAC 0.00001; gnomAD 0.00001.

Submission:

Labcorp Genetics (formerly Invitae), Labcorp
Classification: Uncertain significance. Last evaluated: 2024-02-12. Review status: criteria provided, single submitter. Criteria: Invitae Variant Classification Sherloc (09022015). Collection method: clinical testing. Allele origin: germline.
Comment: This sequence change replaces leucine, which is neutral and non-polar, with phenylalanine, which is neutral and non-polar, at codon 262 of the GNAT1 protein (p.Leu262Phe). This variant is present in population databases (rs762106912, gnomAD 0.0009%). This variant has not been reported in the literature in individuals affected with GNAT1-related conditions. ClinVar contains an entry for this variant (Variation ID: 1016109). Advanced modeling of protein sequence and biophysical properties (such as structural, functional, and spatial information, amino acid conservation, physicochemical variation, residue mobility, and thermodynamic stability) performed at Invitae indicates that this missense variant is expected to disrupt GNAT1 protein function with a positive predictive value of 80%. In summary, the available evidence is currently insufficient to determine the role of this variant in disease. Therefore, it has been classified as a Variant of Uncertain Significance.

NM_144499.3(GNAT1):c.784C>T (p.Leu262Phe)

Gene: GNAT1 (G protein subunit alpha transducin 1; plus strand). Cytogenetic location: 3p21.31.
Variant type: single nucleotide variant.
Coding change: c.784C>T on transcript NM_144499.3 (MANE Select); coding-DNA position 784, C replaced by T.
Protein change: p.Leu262Phe; replaces leucine 262 with phenylalanine.
Molecular consequence: missense variant.
Genome position (GRCh38, 1-based): chr3:50,194,576, C>T. VCF-style: chr3-50194576-C-T. GRCh37 (hg19) VCF-style: chr3-50232009-C-T.
Other names: c.784C>T, p.Leu262Phe (NM_000172.4); short protein forms L262F.
Identifiers: ClinVar variation 1016109 (VCV001016109.5), dbSNP rs762106912, ClinGen allele CA2412714.
Genomic context (GRCh38, chr3:50,194,576, plus strand): 5'-AGCCTGCACCTGTTCAACAGCATCTGCAACCACCGCTACTTCGCCACGACGTCCATCGTG[C>T]TCTTCCTTAACAAGAAGGACGTCTTCTTCGAGAAGATCAAGAAGGCGCACCTCAGCATCT-3'
Protein context (NP_653082.1, residues 252-272): HRYFATTSIV[Leu262Phe]FLNKKDVFFE